The following is an entry in ClinVar:

NM_000051.4(ATM):c.2618G>A (p.Gly873Glu)

Gene: ATM (ATM serine/threonine kinase; plus strand). Cytogenetic location: 11q22.3.
Variant type: single nucleotide variant.
Coding change: c.2618G>A on transcript NM_000051.4 (MANE Select); coding-DNA position 2618, G replaced by A.
Protein change: p.Gly873Glu; replaces glycine 873 with glutamic acid.
Molecular consequence: missense variant.
Genome position (GRCh38, 1-based): chr11:108,267,322, G>A. VCF-style: chr11-108267322-G-A. GRCh37 (hg19) VCF-style: chr11-108138049-G-A.
Other names: c.2618G>A, p.Gly873Glu (NM_001351834.2); short protein forms G873E.
Identifiers: ClinVar variation 1050953 (VCV001050953.18), dbSNP rs2081312461, ClinGen allele CA382544248.

ClinVar aggregate classification (germline): Uncertain significance. Review status: criteria provided, multiple submitters, no conflicts (2 of 4 stars). 4 submissions from 4 submitters: Uncertain significance (3). 1 of the submissions does not count toward it. Last evaluated 2024-04-10.

Conditions:
Ataxia-telangiectasia syndrome (AT). Also called: ATAXIA-TELANGIECTASIA, FRESNO VARIANT; Ataxia-telangiectasia, complementation group E; ATAXIA-TELANGIECTASIA, COMPLEMENTATION GROUP A; LOUIS-BAR SYNDROME; Ataxia-telangiectasia, complementation group D; AT, COMPLEMENTATION GROUP C. Identifiers: Orphanet 100, MedGen C0004135, MONDO:0008840, OMIM 208900.
Hereditary cancer-predisposing syndrome. Also called: Hereditary Cancer Syndrome; Tumor predisposition; Hereditary neoplastic syndrome; Neoplastic Syndromes, Hereditary. Identifiers: Orphanet 140162, MedGen C0027672, MeSH D009386, MONDO:0015356.

Submissions (4):

Ambry Genetics
Classification: Uncertain significance for Hereditary cancer-predisposing syndrome. Last evaluated: 2024-04-10. Review status: criteria provided, single submitter. Criteria: Ambry Variant Classification Scheme 2023. Collection method: clinical testing. Allele origin: germline.
Comment: The p.G873E variant (also known as c.2618G>A), located in coding exon 16 of the ATM gene, results from a G to A substitution at nucleotide position 2618. The glycine at codon 873 is replaced by glutamic acid, an amino acid with similar properties. This amino acid position is conserved. In addition, the in silico prediction for this alteration is inconclusive. Based on the available evidence, the clinical significance of this variant remains unclear.

Color Diagnostics, LLC DBA Color Health
Classification: Uncertain significance for Hereditary cancer-predisposing syndrome. Last evaluated: 2024-03-07. Review status: criteria provided, single submitter. Criteria: ACMG Guidelines, 2015. Collection method: clinical testing. Allele origin: germline.
Comment: This missense variant replaces glycine with glutamic acid at codon 873 of the ATM protein. Computational prediction suggests that this variant may not impact protein structure and function (internally defined REVEL score threshold <= 0.5, PMID: 27666373). To our knowledge, functional studies have not been reported for this variant. This variant has not been reported in individuals affected with hereditary cancer in the literature. This variant has not been identified in the general population by the Genome Aggregation Database (gnomAD). The available evidence is insufficient to determine the role of this variant in disease conclusively. Therefore, this variant is classified as a Variant of Uncertain Significance.

Labcorp Genetics (formerly Invitae), Labcorp
Classification: Uncertain significance for Ataxia-telangiectasia syndrome. Last evaluated: 2021-01-10. Review status: criteria provided, single submitter. Criteria: Invitae Variant Classification Sherloc (09022015). Collection method: clinical testing. Allele origin: germline.
Comment: Algorithms developed to predict the effect of missense changes on protein structure and function (SIFT, PolyPhen-2, Align-GVGD) all suggest that this variant is likely to be tolerated, but these predictions have not been confirmed by published functional studies and their clinical significance is uncertain. In summary, the available evidence is currently insufficient to determine the role of this variant in disease. Therefore, it has been classified as a Variant of Uncertain Significance. This variant has not been reported in the literature in individuals with ATM-related conditions. This variant is not present in population databases (ExAC no frequency). This sequence change replaces glycine with glutamic acid at codon 873 of the ATM protein (p.Gly873Glu). The glycine residue is moderately conserved and there is a moderate physicochemical difference between glycine and glutamic acid.

Natera, Inc.
Classification: Uncertain significance for Ataxia-telangiectasia. Last evaluated: 2021-03-16. Review status: no assertion criteria provided. Collection method: clinical testing. Allele origin: germline. Not counted in ClinVar's aggregate classification.